The following is an entry in ClinVar:

NM_001371904.1(APOA5):c.937C>T (p.Gln313Ter)

Gene: APOA5 (apolipoprotein A5; minus strand). Cytogenetic location: 11q23.3.
Variant type: single nucleotide variant.
Coding change: c.937C>T on transcript NM_001371904.1 (MANE Select); coding-DNA position 937, C replaced by T.
Protein change: p.Gln313Ter; replaces glutamine 313 with a stop codon.
Molecular consequence: nonsense.
Genome position (GRCh38, 1-based): chr11:116,790,292, G>A on the plus strand (C>T on the coding strand, the complement: APOA5 is on the minus strand). VCF-style: chr11-116790292-G-A. GRCh37 (hg19) VCF-style: chr11-116661008-G-A.
Other names: c.937C>T, p.Gln313Ter (NM_001166598.2, NM_052968.5); short protein forms Q313*.
Identifiers: ClinVar variation 420172 (VCV000420172.5), dbSNP rs147528707, ClinGen allele CA6288959.

ClinVar aggregate classification (germline): Conflicting classifications of pathogenicity. Review status: criteria provided, conflicting classifications (1 of 4 stars). 3 submissions from 3 submitters: Likely pathogenic (1); Uncertain significance (1). 1 of the submissions does not count toward it. Last evaluated 2024-03-22.

Conditions:
APOA5-related disorder. Also called: APOA5-related condition.

Allele frequency attached by ClinVar (database versions not stated): TOPMed below 0.00001; gnomAD 0.00001; ExAC 0.00002; gnomAD exomes 0.00002 and below 0.00001; ESP Exome Variant Server 0.00008.
gnomAD v4.1: 25 of 1,614,158 alleles (0.0015%); highest among the groups gnomAD compares: Non-Finnish European, 0.002%; no homozygotes.

Submissions (3):

Labcorp Genetics (formerly Invitae), Labcorp
Classification: Uncertain significance. Last evaluated: 2024-03-22. Review status: criteria provided, single submitter. Criteria: Invitae Variant Classification Sherloc (09022015). Collection method: clinical testing. Allele origin: germline.
Comment: This sequence change creates a premature translational stop signal (p.Gln313*) in the APOA5 gene. While this is not anticipated to result in nonsense mediated decay, it is expected to disrupt the last 54 amino acid(s) of the APOA5 protein. This variant is present in population databases (rs147528707, gnomAD 0.0009%). This premature translational stop signal has been observed in individual(s) with clinical features of APOA5-related disorders (PMID: 25487149). ClinVar contains an entry for this variant (Variation ID: 420172). In summary, the available evidence is currently insufficient to determine the role of this variant in disease. Therefore, it has been classified as a Variant of Uncertain Significance.

GeneDx
Classification: Likely pathogenic. Last evaluated: 2017-03-07. Review status: criteria provided, single submitter. Criteria: GeneDx Variant Classification (06012015). Collection method: clinical testing. Allele origin: germline. Affected: yes.
Comment: The Q313X variant in the APOA5 gene has been reported in an individual with early-onsetmyocardial infarction (Do et al., 2015). This variant is predicted to cause loss of normal proteinfunction through protein truncation. The Q313X variant is not observed at a significant frequency inlarge population cohorts (Lek et al., 2016; 1000 Genomes Consortium et al., 2015; Exome Variant Server). We interpret Q313X as a likely pathogenic variant.

PreventionGenetics, part of Exact Sciences
Classification: Likely pathogenic for APOA5-related condition. Last evaluated: 2023-11-28. Review status: no assertion criteria provided. Collection method: clinical testing. Allele origin: germline. Not counted in ClinVar's aggregate classification.
Comment: The APOA5 c.937C>T variant is predicted to result in premature protein termination (p.Gln313*). This variant has been reported in the heterozygous state in an individual with myocardial infarction (Do et al. 2015. PubMed ID: 25487149) and in the heterozygous state in an individual with hypertriglyceridemia (Ramensky et al. 2021. PubMed ID: 34691145). This variant is reported in 0.00088% of alleles in individuals of European (Non-Finnish) descent in gnomAD. Nonsense variants in APOA5 are expected to be pathogenic. This variant is interpreted as likely pathogenic.

Literature cited by the submitters: PubMed 25487149 (cited by Labcorp Genetics (formerly Invitae), Labcorp).